The following is an entry in ClinVar:

NM_006947.4(SRP72):c.982G>T (p.Ala328Ser)

Gene: SRP72 (signal recognition particle 72; plus strand). Cytogenetic location: 4q12.
Variant type: single nucleotide variant.
Coding change: c.982G>T on transcript NM_006947.4 (MANE Select); coding-DNA position 982, G replaced by T.
Protein change: p.Ala328Ser; replaces alanine 328 with serine.
Molecular consequence: missense variant. On other transcripts: non-coding transcript variant (1).
Genome position (GRCh38, 1-based): chr4:56,484,760, G>T. VCF-style: chr4-56484760-G-T. GRCh37 (hg19) VCF-style: chr4-57350926-G-T.
Other names: NC_000004.11:g.57350926G>T; c.982G>T (NM_006947.3); c.799G>T, p.Ala267Ser (NM_001267722.2); short protein forms A267S, A328S.
Identifiers: ClinVar variation 4306788 (VCV004306788.2).

ClinVar aggregate classification (germline): Uncertain significance (1 of 4 stars; one submission).

Submissions (2):

Ambry Genetics
Classification: Uncertain significance. Last evaluated: 2026-06-06. Review status: criteria provided, single submitter. Criteria: Ambry Variant Classification Scheme 2023. Collection method: clinical testing. Allele origin: germline.
Comment: The p.A328S variant (also known as c.982G>T), located in coding exon 10 of the SRP72 gene, results from a G to T substitution at nucleotide position 982. The alanine at codon 328 is replaced by serine, an amino acid with similar properties. This amino acid position is conserved. In addition, this alteration is predicted to be tolerated by in silico analysis. Based on the available evidence, the clinical significance of this variant remains unclear.

Dr. Peter K. Rogan Lab, Western University
No classification provided (evidence only). Condition: Lung cancer. Review status: no classification provided. Collection method: in vitro. Allele origin: not applicable. Functional consequence: retained intron. Not counted in ClinVar's aggregate classification.